The following is an entry in ClinVar:

NM_001382391.1(CSPP1):c.275G>C (p.Arg92Pro)

Gene: CSPP1 (centrosome and spindle pole associated protein 1; plus strand). Cytogenetic location: 8q13.1.
Variant type: single nucleotide variant.
Coding change: c.275G>C on transcript NM_001382391.1 (MANE Select); coding-DNA position 275, G replaced by C.
Protein change: p.Arg92Pro; replaces arginine 92 with proline.
Molecular consequence: missense variant. On other transcripts: 5 prime UTR variant (1).
Genome position (GRCh38, 1-based): chr8:67,086,082, G>C. VCF-style: chr8-67086082-G-C. GRCh37 (hg19) VCF-style: chr8-67998317-G-C.
Other names: c.-500G>C (NM_001291339.2); c.275G>C, p.Arg92Pro (NM_001363131.2, NM_001363132.2, NM_001363133.2); c.383G>C, p.Arg128Pro (NM_001364869.1, NM_001364870.1, NM_024790.7); short protein forms R128P, R92P.
Identifiers: ClinVar variation 1429747 (VCV001429747.3), dbSNP rs764280843, ClinGen allele CA178187955.

ClinVar aggregate classification (germline): Uncertain significance (1 of 4 stars; one submission).

Conditions:
Joubert syndrome 21 (JBTS21). Identifiers: MedGen C3810212, MONDO:0014288, OMIM 615636.

Allele frequency attached by ClinVar (database versions not stated): gnomAD 0.00001; TOPMed 0.00002.
gnomAD v4.1: 3 of 1,494,152 alleles (0.0002%); highest among the groups gnomAD compares: East Asian, 0.0068%; no homozygotes.

Submission:

Labcorp Genetics (formerly Invitae), Labcorp
Classification: Uncertain significance for Joubert syndrome 21. Last evaluated: 2021-09-05. Review status: criteria provided, single submitter. Criteria: Invitae Variant Classification Sherloc (09022015). Collection method: clinical testing. Allele origin: germline.
Comment: This sequence change replaces arginine with proline at codon 128 of the CSPP1 protein (p.Arg128Pro). The arginine residue is moderately conserved and there is a moderate physicochemical difference between arginine and proline. This variant is not present in population databases (ExAC no frequency). This variant has not been reported in the literature in individuals affected with CSPP1-related conditions. Algorithms developed to predict the effect of missense changes on protein structure and function are either unavailable or do not agree on the potential impact of this missense change (SIFT: "Deleterious"; PolyPhen-2: "Probably Damaging"; Align-GVGD: "Class C0"). In summary, the available evidence is currently insufficient to determine the role of this variant in disease. Therefore, it has been classified as a Variant of Uncertain Significance.